The following is an entry in ClinVar:

ClinVar aggregate classification (germline): Uncertain significance (1 of 4 stars; one submission).

Submission:

Labcorp Genetics (formerly Invitae), Labcorp
Classification: Uncertain significance. Last evaluated: 2023-07-03. Review status: criteria provided, single submitter. Criteria: Invitae Variant Classification Sherloc (09022015). Collection method: clinical testing. Allele origin: germline.
Comment: This sequence change replaces phenylalanine, which is neutral and non-polar, with serine, which is neutral and polar, at codon 26 of the COL11A1 protein (p.Phe26Ser). In summary, the available evidence is currently insufficient to determine the role of this variant in disease. Therefore, it has been classified as a Variant of Uncertain Significance. Advanced modeling of protein sequence and biophysical properties (such as structural, functional, and spatial information, amino acid conservation, physicochemical variation, residue mobility, and thermodynamic stability) performed at Invitae indicates that this missense variant is not expected to disrupt COL11A1 protein function. This variant has not been reported in the literature in individuals affected with COL11A1-related conditions. This variant is not present in population databases (gnomAD no frequency).

NM_001854.4(COL11A1):c.77T>C (p.Phe26Ser)

Gene: COL11A1 (collagen type XI alpha 1 chain; minus strand). Cytogenetic location: 1p21.1.
Variant type: single nucleotide variant.
Coding change: c.77T>C on transcript NM_001854.4 (MANE Select); coding-DNA position 77, T replaced by C.
Protein change: p.Phe26Ser; replaces phenylalanine 26 with serine.
Molecular consequence: missense variant. On other transcripts: non-coding transcript variant (1).
Genome position (GRCh38, 1-based): chr1:103,108,102, A>G on the plus strand (T>C on the coding strand, the complement: COL11A1 is on the minus strand). VCF-style: chr1-103108102-A-G. GRCh37 (hg19) VCF-style: chr1-103573658-A-G.
Other names: c.77T>C, p.Phe26Ser (NM_001168249.1, NM_001190709.2, NM_080629.3 and 1 more transcripts); short protein forms F26S.
Identifiers: ClinVar variation 2781683 (VCV002781683.3), dbSNP rs2526512469, ClinGen allele CA341159342.